The following is an entry in ClinVar:

NM_178857.6(RP1L1):c.2477G>T (p.Cys826Phe)

Gene: RP1L1 (RP1 like 1). Cytogenetic location: 8p23.1.
Variant type: single nucleotide variant.
Coding change: c.2477G>T on transcript NM_178857.6 (MANE Select); coding-DNA position 2477, G replaced by T.
Protein change: p.Cys826Phe; replaces cysteine 826 with phenylalanine.
Molecular consequence: missense variant.
Genome position (GRCh38, 1-based): chr8:10,611,621, C>A on the plus strand (G>T on the coding strand, the complement: RP1L1 is on the minus strand). VCF-style: chr8-10611621-C-A. GRCh37 (hg19) VCF-style: chr8-10469131-C-A.
Other names: short protein forms C826F.
Identifiers: ClinVar variation 4978698 (VCV004978698.1).

ClinVar aggregate classification (germline): Uncertain significance (1 of 4 stars; one submission).

Conditions:
RP1L1-related disorder. Also called: RP1L1-related condition.

gnomAD v4.1: 43 of 1,612,716 alleles (0.0027%); highest among the groups gnomAD compares: African/African-American, 0.053%; no homozygotes.

Submission:

PreventionGenetics, part of Exact Sciences
Classification: Uncertain significance for RP1L1-related condition. Last evaluated: 2024-12-01. Review status: criteria provided, single submitter. Criteria: ACMG Guidelines, 2015. Collection method: clinical testing. Allele origin: germline.
Comment: The RP1L1 c.2477G>T variant is predicted to result in the amino acid substitution p.Cys826Phe. To our knowledge, this variant has not been reported in the literature. This variant is present in 0.034% of alleles in individuals of African descent in gnomAD. At this time, the clinical significance of this variant is uncertain due to the absence of conclusive functional and genetic evidence.